The following is an entry in ClinVar:

NM_000435.3(NOTCH3):c.2292_2296+4del

Gene: NOTCH3 (notch receptor 3; minus strand). Cytogenetic location: 19p13.12.
Variant type: Deletion.
Coding change: c.2292_2296+4del on transcript NM_000435.3 (MANE Select); coding-DNA position 2292 through 4 bases into the intron after coding-DNA position 2296, 9 bases deleted (CCAGGGTGT; older notation c.2292_2296+4delCCAGGGTGT).
Molecular consequence: splice donor variant.
Genome position (GRCh38, 1-based): chr19:15,185,253-15,185,261, ACACCCTGG deleted on the plus strand (CCAGGGTGT on the coding strand, the reverse complement: NOTCH3 is on the minus strand); deleting any 9 consecutive bases within chr19:15,185,253-15,185,266 gives the same sequence; the c. name uses the placement nearest the transcript's 3' end. VCF-style (leftmost placement, unchanged base first): chr19-15185252-CACACCCTGG-C. GRCh37 (hg19) VCF-style: chr19-15296063-CACACCCTGG-C.
Identifiers: ClinVar variation 4709441 (VCV004709441.1).

ClinVar aggregate classification (germline): Likely pathogenic (1 of 4 stars; one submission).

Submission:

Labcorp Genetics (formerly Invitae), Labcorp
Classification: Likely pathogenic. Last evaluated: 2025-12-01. Review status: criteria provided, single submitter. Criteria: Invitae Variant Classification Sherloc (09022015). Collection method: clinical testing. Allele origin: germline.
Comment: This variant results in the deletion of part of exon 14 (c.2292_2296+4del) of the NOTCH3 gene. It is expected to disrupt RNA splicing. Variants that disrupt the donor or acceptor splice site typically lead to a loss of protein function (PMID: 16199547), and loss-of-function variants in NOTCH3 are known to be pathogenic (PMID: 25870235, 32980981, 38824264). This variant is not present in population databases (gnomAD no frequency). This variant has not been reported in the literature in individuals affected with NOTCH3-related conditions. In summary, the currently available evidence indicates that the variant is pathogenic, but additional data are needed to prove that conclusively. Therefore, this variant has been classified as Likely Pathogenic.

Literature cited by the submitters: PubMed 16199547; PubMed 25870235; PubMed 32980981; PubMed 38824264.